The following is an entry in ClinVar:

NM_000108.5(DLD):c.886_887delinsT (p.Ala296fs)

Gene: DLD (dihydrolipoamide dehydrogenase; plus strand). Cytogenetic location: 7q31.1.
Variant type: Indel.
Coding change: c.886_887delinsT on transcript NM_000108.5 (MANE Select); coding-DNA positions 886 to 887, GC replaced by T.
Protein change: p.Ala296fs; shifts the reading frame from alanine 296.
Molecular consequence: frameshift variant.
Genome position (GRCh38, 1-based): chr7:107,916,804-107,916,805, GC replaced by T. VCF-style: chr7-107916804-GC-T. GRCh37 (hg19) VCF-style: chr7-107557249-GC-T.
Other names: c.589_590delinsT, p.Ala197fs (NM_001289750.1); c.817_818delinsT, p.Ala273fs (NM_001289751.1); c.742_743delinsT, p.Ala248fs (NM_001289752.1); short protein forms A197fs, A248fs, A273fs, A296fs.
Identifiers: ClinVar variation 4817455 (VCV004817455.1).

ClinVar aggregate classification (germline): Likely pathogenic (1 of 4 stars; one submission).

Conditions:
Pyruvate dehydrogenase E3 deficiency (DLDD). Also called: Lipoamide dehydrogenase deficiency, lactic acidosis due to; Dihydrolipoamide Dehydrogenase (E3) Deficiency; MAPLE SYRUP URINE DISEASE, TYPE III; Dihydrolipoamide Dehydrogenase Deficiency; DLD DEFICIENCY; E3 DEFICIENCY. Identifiers: Orphanet 2394, Orphanet 765, MedGen C5574660, MONDO:0009529, OMIM 246900.

Submission:

Natera, Inc.
Classification: Likely pathogenic for Maple syrup urine disease type 3. Last evaluated: 2025-11-18. Review status: criteria provided, single submitter. Criteria: Natera Variant Classification Schema (03/2026). Collection method: clinical testing. Allele origin: germline.
Comment: The c.886_887delinsT variant in DLD is a frameshift variant predicted to shift the reading frame beginning at codon 296 and leads to a stop codon 29 codons downstream. This variant is expected to result in nonsense mediated decay, truncation, or a dysfunctional protein product. This variant is rare in the general population with a frequency below the threshold expected for the associated phenotype(s). Given the available evidence, this variant is classified as Likely Pathogenic.